The following is an entry in ClinVar:

NM_004463.3(FGD1):c.139_140del (p.Gly47fs)

Gene: FGD1 (FYVE, RhoGEF and PH domain containing 1; minus strand). Cytogenetic location: Xp11.22.
Variant type: Deletion.
Coding change: c.139_140del on transcript NM_004463.3 (MANE Select); coding-DNA positions 139 to 140, 2 bases deleted (GG; older notation c.139_140delGG).
Protein change: p.Gly47fs; shifts the reading frame from glycine 47.
Molecular consequence: frameshift variant.
Genome position (GRCh38, 1-based): chrX:54,495,293-54,495,294, CC deleted on the plus strand (GG on the coding strand, the reverse complement: FGD1 is on the minus strand); deleting any 2 consecutive bases within chrX:54,495,293-54,495,296 gives the same sequence; the c. name uses the placement nearest the transcript's 3' end. VCF-style (leftmost placement, unchanged base first): chrX-54495292-GCC-G. GRCh37 (hg19) VCF-style: chrX-54521725-GCC-G.
Other names: short protein forms G47fs.
Identifiers: ClinVar variation 932607 (VCV000932607.39), dbSNP rs1923506408, ClinGen allele CA1139667587.

ClinVar aggregate classification (germline): Pathogenic (1 of 4 stars; one submission).

Submission:

CeGaT Center for Human Genetics Tuebingen
Classification: Pathogenic. Last evaluated: 2024-06-01. Review status: criteria provided, single submitter. Criteria: CeGaT Center For Human Genetics Tuebingen Variant Classification Criteria Version 2. Collection method: clinical testing. Allele origin: germline. Affected: yes. Observed: 1 variant allele.
Comment: FGD1: PVS1, PS2, PM2